The following is an entry in ClinVar:

ClinVar aggregate classification (germline): Conflicting classifications of pathogenicity. Review status: criteria provided, conflicting classifications (1 of 4 stars). 5 submissions from 3 submitters: Uncertain significance (2); Likely benign (3). Last evaluated 2025-12-31.

Conditions:
Age related macular degeneration 9. Identifiers: MedGen C1969651, MONDO:0012659, OMIM 611378.
Atypical hemolytic-uremic syndrome with C3 anomaly. Also called: AHUS, SUSCEPTIBILITY TO, 5. Identifiers: Orphanet 2134, MedGen C2752037, MONDO:0013043, OMIM 612925.
Complement component 3 deficiency. Identifiers: Orphanet 280133, MedGen C3151071, MONDO:0013417, OMIM 613779.

Allele frequency attached by ClinVar (database versions not stated): TOPMed 0.00018.
gnomAD v4.1: 386 of 1,613,984 alleles (0.024%); highest among the groups gnomAD compares: Non-Finnish European, 0.031%; no homozygotes.

Submissions (5):

Labcorp Genetics (formerly Invitae), Labcorp
Classification: Likely benign. Last evaluated: 2025-12-31. Review status: criteria provided, single submitter. Criteria: Invitae Variant Classification Sherloc (09022015). Collection method: clinical testing. Allele origin: germline.

Blueprint Genetics
Classification: Likely benign. Last evaluated: 2023-03-30. Review status: criteria provided, single submitter. Criteria: ACMG Guidelines, 2015. Collection method: clinical testing. Allele origin: germline.

Illumina Laboratory Services, Illumina
Classification: Uncertain significance for Complement component 3 deficiency. Last evaluated: 2018-01-12. Review status: criteria provided, single submitter. Criteria: ICSL Variant Classification Criteria 13 December 2019. Collection method: clinical testing. Allele origin: germline.

Illumina Laboratory Services, Illumina
Classification: Likely benign for Atypical hemolytic-uremic syndrome with C3 anomaly. Last evaluated: 2018-01-12. Review status: criteria provided, single submitter. Criteria: ICSL Variant Classification Criteria 13 December 2019. Collection method: clinical testing. Allele origin: germline.
Comment: This variant was observed in the ICSL laboratory as part of a predisposition screen in an ostensibly healthy population. It had not been previously curated by ICSL or reported in the Human Gene Mutation Database (HGMD: prior to June 1st, 2018), and was therefore a candidate for classification through an automated scoring system. Utilizing variant allele frequency, disease prevalence and penetrance estimates, and inheritance mode, an automated score was calculated to assess if this variant is too frequent to cause the disease. Based on the score and internal cut-off values, a variant classified as likely benign is not then subjected to further curation. The score for this variant resulted in a classification of likely benign for this disease.

Illumina Laboratory Services, Illumina
Classification: Uncertain significance for Age related macular degeneration 9. Last evaluated: 2018-01-12. Review status: criteria provided, single submitter. Criteria: ICSL Variant Classification Criteria 13 December 2019. Collection method: clinical testing. Allele origin: germline.

NM_000064.4(C3):c.4645C>T (p.Leu1549=)

Gene: C3 (complement C3; minus strand). Cytogenetic location: 19p13.3.
Variant type: single nucleotide variant.
Coding change: c.4645C>T on transcript NM_000064.4 (MANE Select); coding-DNA position 4645, C replaced by T.
Protein change: p.Leu1549=; no amino-acid change (leucine 1549 retained).
Molecular consequence: synonymous variant.
Genome position (GRCh38, 1-based): chr19:6,678,441, G>A on the plus strand (C>T on the coding strand, the complement: C3 is on the minus strand). VCF-style: chr19-6678441-G-A. GRCh37 (hg19) VCF-style: chr19-6678452-G-A.
Identifiers: ClinVar variation 732571 (VCV000732571.13), dbSNP rs149202905, ClinGen allele CA9128307.